The following is an entry in ClinVar:

ClinVar aggregate classification (germline): Pathogenic (1 of 4 stars; one submission).

Submission:

Labcorp Genetics (formerly Invitae), Labcorp
Classification: Pathogenic. Last evaluated: 2024-01-15. Review status: criteria provided, single submitter. Criteria: Invitae Variant Classification Sherloc (09022015). Collection method: clinical testing. Allele origin: unknown.
Comment: This variant is a gross deletion of the genomic region encompassing exon(s) 1-5 of the PMPCA gene, which includes the initiator codon. This deletion extends beyond the assayed region for this gene and therefore may encompass additional genes. It is expected to result in an absent or disrupted protein product. Loss-of-function variants in PMPCA are known to be pathogenic (PMID: 35885985). This variant has not been reported in the literature in individuals affected with PMPCA-related conditions. For these reasons, this variant has been classified as Pathogenic.

Literature cited by the submitters: PubMed 35885985.

NC_000009.11:g.(?_139304522)_(139309119_?)del

Genes: PMPCA (peptidase, mitochondrial processing subunit alpha; plus strand), ENTR1 (endosome associated trafficking regulator 1; minus strand). Cytogenetic location: 9q34.3.
Variant type: Deletion.
Identifiers: ClinVar variation 3245352 (VCV003245352.1).